The following is an entry in ClinVar:

ClinVar aggregate classification (germline): Likely pathogenic (1 of 4 stars; one submission).

Conditions:
Developmental and epileptic encephalopathy, 35 (DEE35). Also called: Epileptic encephalopathy, early infantile, 35. Identifiers: Orphanet 457375, MedGen C4225256, MONDO:0014719, OMIM 616647.

gnomAD v4.1: 3 of 1,614,066 alleles (0.00019%); highest among the groups gnomAD compares: South Asian, 0.0033%; no homozygotes.

Submission:

Institute of Basic Medical Sciences, Khyber Medical University, Peshawar
Classification: Likely pathogenic for Developmental and epileptic encephalopathy, 35. Last evaluated: 2025-01-01. Review status: criteria provided, single submitter. Criteria: ACMG Guidelines, 2015. Collection method: research. Allele origin: germline. Inheritance: Autosomal recessive inheritance. Affected: yes.
Comment: Following the ACMG guidelines which is mentioned in paper linked below. PubMed 25741868

NM_033453.4(ITPA):c.136C>T (p.Gln46Ter)

Gene: ITPA (inosine triphosphatase; plus strand). Cytogenetic location: 20p13.
Variant type: single nucleotide variant.
Coding change: c.136C>T on transcript NM_033453.4 (MANE Select); coding-DNA position 136, C replaced by T.
Protein change: p.Gln46Ter; replaces glutamine 46 with a stop codon.
Molecular consequence: nonsense. On other transcripts: 5 prime UTR variant (4), intron variant (1).
Genome position (GRCh38, 1-based): chr20:3,213,330, C>T. VCF-style: chr20-3213330-C-T. GRCh37 (hg19) VCF-style: chr20-3193976-C-T.
Other names: c.-202C>T (NM_001324236.2, NM_001324237.2, NM_001324238.2 and 1 more transcripts); c.136C>T, p.Gln46Ter (NM_001324240.2, NM_001424408.1); c.262C>T, p.Gln88Ter (NM_001424409.1); c.85C>T, p.Gln29Ter (NM_181493.4); c.67-655C>T (NM_001267623.2); short protein forms Q29*, Q46*, Q88*.
Identifiers: ClinVar variation 3777033 (VCV003777033.1).